The following is an entry in ClinVar:

ClinVar aggregate classification (germline): Uncertain significance (1 of 4 stars; one submission).

Conditions:
Combined immunodeficiency due to DOCK8 deficiency (HIES2). Also called: HIES autosomal recessive; HYPER-IgE RECURRENT INFECTION SYNDROME 2, AUTOSOMAL RECESSIVE; DOCK8 Deficiency; HYPER-IgE SYNDROME 2, AUTOSOMAL RECESSIVE, WITH RECURRENT INFECTIONS; Hyper-IgE recurrent infection syndrome, autosomal recessive. Identifiers: Orphanet 217390, MedGen C4722305, MONDO:0009478, OMIM 243700.

Submission:

Labcorp Genetics (formerly Invitae), Labcorp
Classification: Uncertain significance for Combined immunodeficiency due to DOCK8 deficiency. Last evaluated: 2022-03-13. Review status: criteria provided, single submitter. Criteria: Invitae Variant Classification Sherloc (09022015). Collection method: clinical testing. Allele origin: germline.
Comment: In summary, the available evidence is currently insufficient to determine the role of this variant in disease. Therefore, it has been classified as a Variant of Uncertain Significance. Algorithms developed to predict the effect of missense changes on protein structure and function are either unavailable or do not agree on the potential impact of this missense change (SIFT: "Deleterious"; PolyPhen-2: "Possibly Damaging"; Align-GVGD: "Class C0"). This variant has not been reported in the literature in individuals affected with DOCK8-related conditions. This variant is not present in population databases (gnomAD no frequency). This sequence change replaces lysine, which is basic and polar, with glutamic acid, which is acidic and polar, at codon 704 of the DOCK8 protein (p.Lys704Glu).

NM_203447.4(DOCK8):c.2110A>G (p.Lys704Glu)

Gene: DOCK8 (dedicator of cytokinesis 8; plus strand). Cytogenetic location: 9p24.3.
Variant type: single nucleotide variant.
Coding change: c.2110A>G on transcript NM_203447.4 (MANE Select); coding-DNA position 2110, A replaced by G.
Protein change: p.Lys704Glu; replaces lysine 704 with glutamic acid.
Molecular consequence: missense variant.
Genome position (GRCh38, 1-based): chr9:376,210, A>G. VCF-style: chr9-376210-A-G. GRCh37 (hg19) VCF-style: chr9-376210-A-G.
Other names: c.1906A>G, p.Lys636Glu (NM_001190458.2, NM_001193536.2); short protein forms K704E, K636E.
Identifiers: ClinVar variation 2111316 (VCV002111316.4), dbSNP rs2538331635, ClinGen allele CA372762784.